The following is an entry in ClinVar:

NM_053013.4(ENO3):c.467G>A (p.Gly156Asp)

Gene: ENO3 (enolase 3; plus strand). Cytogenetic location: 17p13.2.
Variant type: single nucleotide variant.
Coding change: c.467G>A on transcript NM_053013.4 (MANE Select); coding-DNA position 467, G replaced by A.
Protein change: p.Gly156Asp; replaces glycine 156 with aspartic acid.
Molecular consequence: missense variant.
Genome position (GRCh38, 1-based): chr17:4,955,097, G>A. VCF-style: chr17-4955097-G-A. GRCh37 (hg19) VCF-style: chr17-4858392-G-A.
Other names: c.338G>A, p.Gly113Asp (NM_001193503.2); c.467G>A, p.Gly156Asp (NM_001976.5); short protein forms G156D, G113D.
Identifiers: ClinVar variation 16617 (VCV000016617.11), dbSNP rs121918403, ClinGen allele CA126730.

ClinVar aggregate classification (germline): Conflicting classifications of pathogenicity. Review status: criteria provided, conflicting classifications (1 of 4 stars). 6 submissions from 6 submitters: Likely pathogenic (2); Uncertain significance (3). 1 of the submissions does not count toward it. Last evaluated 2025-02-06.

Conditions:
Glycogen storage disease due to muscle beta-enolase deficiency (GSD13). Also called: ENOLASE 3 DEFICIENCY; ENOLASE-BETA DEFICIENCY; GSD XIII; Glycogen Storage Disease Type XIII. Identifiers: Orphanet 99849, MedGen C2752027, MONDO:0013046, OMIM 612932.

Allele frequency attached by ClinVar (database versions not stated): 1000 Genomes Project 30x 0.00016; gnomAD 0.00019; 1000 Genomes Project 0.00020; TOPMed 0.00020.

Submissions (6):

Women's Health and Genetics/Laboratory Corporation of America, LabCorp
Classification: Uncertain significance. Last evaluated: 2025-02-06. Review status: criteria provided, single submitter. Criteria: LabCorp Variant Classification Summary - May 2015. Collection method: clinical testing. Allele origin: germline.
Comment: Variant summary: ENO3 c.467G>A (p.Gly156Asp) results in a non-conservative amino acid change located in the C-terminal TIM barrel domain (IPR020810) of the encoded protein sequence. Five of five in-silico tools predict a damaging effect of the variant on protein function. The variant allele was found at a frequency of 0.0002 in 251184 control chromosomes (gnomAD). c.467G>A has been reported in the literature in at least an individual affected with clinical features of glycogen storage disease XIII (example: Comi_AN_2001). This data, however, does not allow any conclusion about variant significance. To our knowledge, no experimental evidence demonstrating an impact on protein function has been reported. The following publications have been ascertained in the context of this evaluation (PMID: 11506403, 34687219). ClinVar contains an entry for this variant (Variation ID: 16617). Based on the evidence outlined above, the variant was classified as uncertain significance.

Department of Pathology and Laboratory Medicine, Sinai Health System
Classification: Likely pathogenic for Glycogen storage disease due to muscle beta-enolase deficiency. Last evaluated: 2023-07-06. Review status: criteria provided, single submitter. Criteria: ACMG Guidelines, 2015. Collection method: research. Allele origin: germline.

Labcorp Genetics (formerly Invitae), Labcorp
Classification: Uncertain significance for Glycogen storage disease due to muscle beta-enolase deficiency. Last evaluated: 2022-10-25. Review status: criteria provided, single submitter. Criteria: Invitae Variant Classification Sherloc (09022015). Collection method: clinical testing. Allele origin: germline.
Comment: This sequence change replaces glycine, which is neutral and non-polar, with aspartic acid, which is acidic and polar, at codon 156 of the ENO3 protein (p.Gly156Asp). This variant is present in population databases (rs121918403, gnomAD 0.03%). This missense change has been observed in individual(s) with glycogen storage disease type XIII (PMID: 11506403). ClinVar contains an entry for this variant (Variation ID: 16617). Advanced modeling of protein sequence and biophysical properties (such as structural, functional, and spatial information, amino acid conservation, physicochemical variation, residue mobility, and thermodynamic stability) performed at Invitae indicates that this missense variant is expected to disrupt ENO3 protein function. Experimental studies have shown that this missense change affects ENO3 function (PMID: 18070103). In summary, the available evidence is currently insufficient to determine the role of this variant in disease. Therefore, it has been classified as a Variant of Uncertain Significance.

Victorian Clinical Genetics Services, Murdoch Childrens Research Institute
Classification: Likely pathogenic for Glycogen storage disease due to muscle beta-enolase deficiency. Last evaluated: 2020-10-19. Review status: criteria provided, single submitter. Criteria: ACMG Guidelines, 2015. Collection method: clinical testing. Allele origin: germline. Inheritance: Autosomal recessive inheritance. Affected: no.
Comment: Based on the classification scheme VCGS_Germline_v1.3.3, this variant is classified as Likely Pathogenic. Following criteria are met: 0102 - Loss of function is a known mechanism of disease in this gene and is associated with beta-enolase deficiency. (I) 0106 - This gene is associated with autosomal recessive disease. (I) 0200 - Variant is predicted to result in a missense amino acid change from glycine to aspartic acid. (I) 0251 - This variant is heterozygous. (I) 0304 - Variant is present in gnomAD (v2) <0.01 for a recessive condition (55 heterozygotes, 0 homozygotes). (SP) 0309 - Alternative amino acid changes at the same position have been observed in gnomAD (v2) (3 heterozygotes, 0 homozygotes). (I) 0501 - Missense variant consistently predicted to be damaging by multiple in silico tools or highly conserved with a major amino acid change. (SP) 0600 - Variant is located in the annotated C-terminal TIM barrel domain (PDB). (I) 0705 - No comparable missense variants have previous evidence for pathogenicity. (I) 0803 - This variant has limited previous evidence of pathogenicity in an individual. The variant has previously been reported in a compound heterozygous patient with beta-enolase deficiency (ClinVar, OMIM, PMID: 11506403). (SP) 0905 - No published segregation evidence has been identified for this variant. (I) 1002 - This variant has moderate functional evidence supporting abnormal protein function. Functional studies in a yeast model demonstrated that the variant results in a loss of function (PMID: 18070103). (SP) 1208 - Inheritance information for this variant is not currently available in this individual. (I) Legend: (SP) - Supporting pathogenic, (I) - Information, (SB) - Supporting benign

GeneDx
Classification: Uncertain significance. Last evaluated: 2020-09-30. Review status: criteria provided, single submitter. Criteria: GeneDx Variant Classification Process June 2021. Collection method: clinical testing. Allele origin: germline. Affected: yes.
Comment: Published protein folding and stability studies of the corresponding missense variant in yeast suggests this variant reduces the stability of yeast enolase (Zhao et al., 2018); however, the clinical significance of this finding in humans remains to be determined.; In silico analysis supports that this missense variant has a deleterious effect on protein structure/function; This variant is associated with the following publications: (PMID: 31589614, 18070103, 11506403)

OMIM
Classification: Pathogenic for GLYCOGEN STORAGE DISEASE XIII. Last evaluated: 2001-08-01. Review status: no assertion criteria provided. Collection method: literature only. Allele origin: germline. Not counted in ClinVar's aggregate classification.

Literature cited by the submitters: PubMed 34687219 (cited by Women's Health and Genetics/Laboratory Corporation of America, LabCorp); PubMed 11506403 (cited by 4 submitters); PubMed 18070103 (cited by Labcorp Genetics (formerly Invitae), Labcorp and Victorian Clinical Genetics Services, Murdoch Childrens Research Institute).